The following is an entry in ClinVar:

NM_005337.5(NCKAP1L):c.1155C>T (p.Arg385=)

Gene: NCKAP1L (NCK associated protein 1 like; plus strand). Cytogenetic location: 12q13.2.
Variant type: single nucleotide variant.
Coding change: c.1155C>T on transcript NM_005337.5 (MANE Select); coding-DNA position 1155, C replaced by T.
Protein change: p.Arg385=; no amino-acid change (arginine 385 retained).
Molecular consequence: synonymous variant.
Genome position (GRCh38, 1-based): chr12:54,517,592, C>T. VCF-style: chr12-54517592-C-T. GRCh37 (hg19) VCF-style: chr12-54911376-C-T.
Other names: c.1005C>T, p.Arg335= (NM_001184976.2).
Identifiers: ClinVar variation 2038416 (VCV002038416.29), dbSNP rs34286028, ClinGen allele CA6609067.

ClinVar aggregate classification (germline): Benign. Review status: criteria provided, multiple submitters, no conflicts (2 of 4 stars). 3 submissions from 3 submitters: Benign (3). Last evaluated 2026-04-01.

Allele frequency attached by ClinVar (database versions not stated): 1000 Genomes Project 0.00260; 1000 Genomes Project 30x 0.00281; ExAC 0.00670; TOPMed 0.00713; gnomAD 0.00718; ESP Exome Variant Server 0.00930; gnomAD exomes 0.01151.
gnomAD v4.1: 17,854 of 1,614,028 alleles (1.1%); highest among the groups gnomAD compares: Non-Finnish European, 1.4%; 126 homozygotes.

Submissions (3):

CeGaT Center for Human Genetics Tuebingen
Classification: Benign. Last evaluated: 2026-04-01. Review status: criteria provided, single submitter. Criteria: CeGaT Center For Human Genetics Tuebingen Variant Classification Criteria Version 2. Collection method: clinical testing. Allele origin: germline. Affected: yes. Observed: 22 variant alleles.
Comment: NCKAP1L: BP4, BP7, BS1, BS2

Women's Health and Genetics/Laboratory Corporation of America, LabCorp
Classification: Benign. Last evaluated: 2026-03-31. Review status: criteria provided, single submitter. Criteria: LabCorp Variant Classification Summary - May 2015. Collection method: clinical testing. Allele origin: germline.

Labcorp Genetics (formerly Invitae), Labcorp
Classification: Benign. Last evaluated: 2026-02-04. Review status: criteria provided, single submitter. Criteria: Invitae Variant Classification Sherloc (09022015). Collection method: clinical testing. Allele origin: germline.